The following is an entry in ClinVar:

NM_017780.4(CHD7):c.1808del (p.Asn603fs)

Genes: CHD7 (chromodomain helicase DNA binding protein 7; plus strand), LOC126860403 (CDK7 strongly-dependent group 2 enhancer GRCh37_chr8:61693034-61694233; plus strand). Cytogenetic location: 8q12.2.
Variant type: Deletion.
Coding change: c.1808del on transcript NM_017780.4 (MANE Select); coding-DNA position 1808, one base deleted (A; older notation c.1808delA).
Protein change: p.Asn603fs; shifts the reading frame from asparagine 603.
Molecular consequence: frameshift variant. On other transcripts: intron variant (1).
Genome position (GRCh38, 1-based): chr8:60,781,142, A deleted; the last of 5 consecutive A bases (chr8:60,781,138-60,781,142); deleting any one gives the same sequence. VCF-style (leftmost placement, unchanged base first): chr8-60781137-GA-G. GRCh37 (hg19) VCF-style: chr8-61693696-GA-G.
Other names: c.1716+92del (NM_001316690.1); short protein forms N603fs.
Identifiers: ClinVar variation 2017156 (VCV002017156.4), dbSNP rs1554588675, ClinGen allele CA2580078434.

ClinVar aggregate classification (germline): Pathogenic (1 of 4 stars; one submission).

Conditions:
CHARGE syndrome (CHARGE). Also called: Hittner Hirsch Kreh syndrome; CHARGE ASSOCIATION--COLOBOMA, HEART ANOMALY, CHOANAL ATRESIA, RETARDATION, GENITAL AND EAR ANOMALIES; Coloboma, heart anomaly, choanal atresia, retardation, genital and ear anomalies; CHARGE association; Hall-Hittner syndrome. Identifiers: Orphanet 138, MedGen C0265354, MONDO:0008965.

Submission:

Labcorp Genetics (formerly Invitae), Labcorp
Classification: Pathogenic for CHARGE syndrome. Last evaluated: 2022-07-14. Review status: criteria provided, single submitter. Criteria: Invitae Variant Classification Sherloc (09022015). Collection method: clinical testing. Allele origin: germline.
Comment: This sequence change creates a premature translational stop signal (p.Asn603Thrfs*5) in the CHD7 gene. It is expected to result in an absent or disrupted protein product. Loss-of-function variants in CHD7 are known to be pathogenic (PMID: 22461308, 25077900). This variant is not present in population databases (gnomAD no frequency). This variant has not been reported in the literature in individuals affected with CHD7-related conditions. For these reasons, this variant has been classified as Pathogenic.

Literature cited by the submitters: PubMed 22461308; PubMed 25077900.